The following is an entry in ClinVar:

NM_007289.4(MME):c.1343G>A (p.Arg448Gln)

Gene: MME (membrane metalloendopeptidase; plus strand). Cytogenetic location: 3q25.2.
Variant type: single nucleotide variant.
Coding change: c.1343G>A on transcript NM_007289.4 (MANE Select); coding-DNA position 1343, G replaced by A.
Protein change: p.Arg448Gln; replaces arginine 448 with glutamine.
Molecular consequence: missense variant.
Genome position (GRCh38, 1-based): chr3:155,144,384, G>A. VCF-style: chr3-155144384-G-A. GRCh37 (hg19) VCF-style: chr3-154862173-G-A.
Other names: c.1343G>A, p.Arg448Gln (NM_000902.5, NM_001354642.2, NM_001354643.1 and 2 more transcripts); c.1343G>A (NM_007289.2); short protein forms R448Q.
Identifiers: ClinVar variation 1521555 (VCV001521555.7), dbSNP rs752849341, ClinGen allele CA2675482.

ClinVar aggregate classification (germline): Uncertain significance. Review status: criteria provided, multiple submitters, no conflicts (2 of 4 stars). 3 submissions from 3 submitters: Uncertain significance (3). Last evaluated 2026-06-11.

Conditions:
Inborn genetic diseases. Identifiers: MedGen C0950123, MeSH D030342.

Allele frequency attached by ClinVar (database versions not stated): gnomAD exomes 0.00001 and 0.00002; ExAC 0.00001; gnomAD 0.00001; TOPMed 0.00001.
gnomAD v4.1: 17 of 1,612,654 alleles (0.0011%); highest among the groups gnomAD compares: African/African-American, 0.0053%; no homozygotes.

Submissions (3):

Women's Health and Genetics/Laboratory Corporation of America, LabCorp
Classification: Uncertain significance. Last evaluated: 2026-06-11. Review status: criteria provided, single submitter. Criteria: LabCorp Variant Classification Summary - May 2015. Collection method: clinical testing. Allele origin: germline.
Comment: Variant summary: MME c.1343G>A (p.Arg448Gln) results in a conservative amino acid change in the encoded protein sequence. Algorithms developed to predict the effect of missense changes on protein structure and function are either unavailable or do not agree on the potential impact of this missense change. The variant allele was found at a frequency of 2e-05 in 250706 control chromosomes. The available data on variant occurrences in the general population are insufficient to allow any conclusion about variant significance. To our knowledge, no occurrence of c.1343G>A in individuals affected with MME-related conditions and no experimental evidence demonstrating its impact on protein function have been reported. ClinVar contains an entry for this variant (Variation ID: 1521555). Based on the evidence outlined above, the variant was classified as uncertain significance.

Ambry Genetics
Classification: Uncertain significance for Inborn genetic diseases. Last evaluated: 2022-12-28. Review status: criteria provided, single submitter. Criteria: Ambry Variant Classification Scheme 2023. Collection method: clinical testing. Allele origin: germline.

Labcorp Genetics (formerly Invitae), Labcorp
Classification: Uncertain significance. Last evaluated: 2022-08-03. Review status: criteria provided, single submitter. Criteria: Invitae Variant Classification Sherloc (09022015). Collection method: clinical testing. Allele origin: germline.
Comment: This sequence change replaces arginine, which is basic and polar, with glutamine, which is neutral and polar, at codon 448 of the MME protein (p.Arg448Gln). This variant is present in population databases (rs752849341, gnomAD 0.01%). This variant has not been reported in the literature in individuals affected with MME-related conditions. ClinVar contains an entry for this variant (Variation ID: 1521555). Algorithms developed to predict the effect of missense changes on protein structure and function are either unavailable or do not agree on the potential impact of this missense change (SIFT: "Tolerated"; PolyPhen-2: "Probably Damaging"; Align-GVGD: "Class C0"). In summary, the available evidence is currently insufficient to determine the role of this variant in disease. Therefore, it has been classified as a Variant of Uncertain Significance.